The following is an entry in ClinVar:

ClinVar aggregate classification (germline): Uncertain significance (1 of 4 stars; one submission).

Conditions:
RASopathy. Also called: rasopathies; Noonan spectrum disorder. Identifiers: Orphanet 536391, MedGen C5555857, MONDO:0021060.

Submission:

Labcorp Genetics (formerly Invitae), Labcorp
Classification: Uncertain significance for RASopathy. Last evaluated: 2025-02-02. Review status: criteria provided, single submitter. Criteria: Invitae Variant Classification Sherloc (09022015). Collection method: clinical testing. Allele origin: germline.
Comment: This sequence change replaces glycine, which is neutral and non-polar, with glutamic acid, which is acidic and polar, at codon 195 of the CBL protein (p.Gly195Glu). This variant is not present in population databases (gnomAD no frequency). This variant has not been reported in the literature in individuals affected with CBL-related conditions. An algorithm developed to predict the effect of missense changes on protein structure and function outputs the following: PolyPhen-2: "Benign". The glutamic acid amino acid residue is found in multiple mammalian species, which suggests that this missense change does not adversely affect protein function. In summary, the available evidence is currently insufficient to determine the role of this variant in disease. Therefore, it has been classified as a Variant of Uncertain Significance.

NM_005188.4(CBL):c.584G>A (p.Gly195Glu)

Gene: CBL (Cbl proto-oncogene; plus strand). Cytogenetic location: 11q23.3.
Variant type: single nucleotide variant.
Coding change: c.584G>A on transcript NM_005188.4 (MANE Select); coding-DNA position 584, G replaced by A.
Protein change: p.Gly195Glu; replaces glycine 195 with glutamic acid.
Molecular consequence: missense variant.
Genome position (GRCh38, 1-based): chr11:119,271,875, G>A. VCF-style: chr11-119271875-G-A. GRCh37 (hg19) VCF-style: chr11-119142585-G-A.
Other names: short protein forms G195E.
Identifiers: ClinVar variation 3634383 (VCV003634383.2).